The following is an entry in ClinVar:

NM_000255.4(MMUT):c.571G>A (p.Ala191Thr)

Gene: MMUT (methylmalonyl-CoA mutase; minus strand). Cytogenetic location: 6p12.3.
Variant type: single nucleotide variant.
Coding change: c.571G>A on transcript NM_000255.4 (MANE Select); coding-DNA position 571, G replaced by A.
Protein change: p.Ala191Thr; replaces alanine 191 with threonine.
Molecular consequence: missense variant.
Genome position (GRCh38, 1-based): chr6:49,457,873, C>T on the plus strand (G>A on the coding strand, the complement: MMUT is on the minus strand). VCF-style: chr6-49457873-C-T. GRCh37 (hg19) VCF-style: chr6-49425586-C-T.
Other names: short protein forms A191T.
Identifiers: ClinVar variation 451101 (VCV000451101.9), dbSNP rs1313120333, ClinGen allele CA364404440.
Genomic context (GRCh38, chr6:49,457,873, plus strand): 5'-CTTTAGGTACACCTTGTTCTTCTCCAGTTACTATAAAATTTGCAAGAACTGGAATAACTG[C>T]TCCATTCATAGTCATGGAAACTGACATTTTTTCTAAAGGAATTCCATCAAAAAGAATTTT-3'
Protein context (NP_000246.2, residues 181-201): KMSVSMTMNG[Ala191Thr]VIPVLANFIV

ClinVar aggregate classification (germline): Likely pathogenic. Review status: criteria provided, multiple submitters, no conflicts (2 of 4 stars). 3 submissions from 3 submitters: Likely pathogenic (3). Last evaluated 2023-11-10.

Conditions:
Methylmalonic aciduria due to methylmalonyl-CoA mutase deficiency (MAMM). Also called: Methylmalonic aciduria, mut type. Identifiers: Orphanet 27, MedGen C1855114, MONDO:0009612, OMIM 251000.

Allele frequency attached by ClinVar (database versions not stated): gnomAD 0.00001; TOPMed 0.00001.

Submissions (3):

Labcorp Genetics (formerly Invitae), Labcorp
Classification: Likely pathogenic. Last evaluated: 2023-11-10. Review status: criteria provided, single submitter. Criteria: Invitae Variant Classification Sherloc (09022015). Collection method: clinical testing. Allele origin: germline.
Comment: This sequence change replaces alanine, which is neutral and non-polar, with threonine, which is neutral and polar, at codon 191 of the MUT protein (p.Ala191Thr). This variant is not present in population databases (gnomAD no frequency). This variant has not been reported in the literature in individuals affected with MUT-related conditions. ClinVar contains an entry for this variant (Variation ID: 451101). Advanced modeling of protein sequence and biophysical properties (such as structural, functional, and spatial information, amino acid conservation, physicochemical variation, residue mobility, and thermodynamic stability) performed at Invitae indicates that this missense variant is expected to disrupt MUT protein function with a positive predictive value of 95%. This variant disrupts the p.Ala191 amino acid residue in MUT. Other variant(s) that disrupt this residue have been determined to be pathogenic (PMID: 15643616, 16281286, 17113806, 17957493, 20549364, 24059531). This suggests that this residue is clinically significant, and that variants that disrupt this residue are likely to be disease-causing. In summary, the currently available evidence indicates that the variant is pathogenic, but additional data are needed to prove that conclusively. Therefore, this variant has been classified as Likely Pathogenic.

GeneDx
Classification: Likely pathogenic. Last evaluated: 2023-08-02. Review status: criteria provided, single submitter. Criteria: GeneDx Variant Classification Process June 2021. Collection method: clinical testing. Allele origin: germline. Affected: yes.
Comment: Not observed at significant frequency in large population cohorts (gnomAD); In silico analysis supports that this missense variant has a deleterious effect on protein structure/function; Has not been previously published as pathogenic or benign to our knowledge

Neuberg Centre For Genomic Medicine, NCGM
Classification: Likely pathogenic for Methylmalonic aciduria due to methylmalonyl-CoA mutase deficiency. Review status: criteria provided, single submitter. Criteria: ACMG Guidelines, 2015. Collection method: clinical testing. Allele origin: germline. Inheritance: Autosomal recessive inheritance. Affected: yes.
Comment: The missense c.571G>A (p.Ala191Thr) variant in MMUT gene has not been reported previously as a pathogenic variant nor as a benign variant, to our knowledge. The p.Ala191Thr variant is novel (not in any individuals) in gnomAD Exomes and 1000 Genomes. This variant has been reported to the ClinVar database as Likely Pathogenic. The amino acid change p.Ala191Thr in MMUT is predicted as conserved by GERP++ and PhyloP across 100 vertebrates. The amino acid Ala at position 191 is changed to a Thr changing protein sequence and it might alter its composition and physico-chemical properties. Different missense change at the same codon has been previously reported to be pathogenic (multiple submissions). For these reasons, this variant has been classified as Likely Pathogenic.

Literature cited by the submitters: PubMed 15643616 (cited by Labcorp Genetics (formerly Invitae), Labcorp); PubMed 16281286 (cited by Labcorp Genetics (formerly Invitae), Labcorp); PubMed 17113806 (cited by Labcorp Genetics (formerly Invitae), Labcorp); PubMed 17957493 (cited by Labcorp Genetics (formerly Invitae), Labcorp); PubMed 20549364 (cited by Labcorp Genetics (formerly Invitae), Labcorp); PubMed 24059531 (cited by Labcorp Genetics (formerly Invitae), Labcorp).